The following is an entry in ClinVar:

NM_001013703.4(EIF2AK4):c.1153dup (p.Val385fs)

Gene: EIF2AK4 (eukaryotic translation initiation factor 2 alpha kinase 4; plus strand). Cytogenetic location: 15q15.1.
Variant type: Duplication.
Coding change: c.1153dup on transcript NM_001013703.4 (MANE Select); coding-DNA position 1153, one base duplicated (G; older notation c.1153dupG).
Protein change: p.Val385fs; shifts the reading frame from valine 385.
Molecular consequence: frameshift variant.
Genome position (GRCh38, 1-based): chr15:39,967,479, G duplicated; the last of 4 consecutive G bases (chr15:39,967,476-39,967,479); duplicating any one gives the same sequence. VCF-style (leftmost placement, unchanged base first): chr15-39967475-T-TG. GRCh37 (hg19) VCF-style: chr15-40259676-T-TG.
Other names: short protein forms V385fs.
Identifiers: ClinVar variation 101527 (VCV000101527.6), dbSNP rs775819448, ClinGen allele CA7473724.

ClinVar aggregate classification (germline): Pathogenic. Review status: criteria provided, single submitter (1 of 4 stars). 3 submissions from 3 submitters: Pathogenic (1). 2 of the submissions do not count toward it. Last evaluated 2023-01-25.

Conditions:
Familial pulmonary capillary hemangiomatosis (PVOD2). Also called: Pulmonary venoocclusive disease 2; Pulmonary venoocclusive disease 2, autosomal recessive. Identifiers: Orphanet 199241, MedGen C0340848, MONDO:0009329, OMIM 234810.

Submissions (3):

Labcorp Genetics (formerly Invitae), Labcorp
Classification: Pathogenic. Last evaluated: 2023-01-25. Review status: criteria provided, single submitter. Criteria: Invitae Variant Classification Sherloc (09022015). Collection method: clinical testing. Allele origin: germline.
Comment: For these reasons, this variant has been classified as Pathogenic. ClinVar contains an entry for this variant (Variation ID: 101527). This premature translational stop signal has been observed in individual(s) with pulmonary capillary hemangiomatosis (PMID: 24135949). In at least one individual the data is consistent with being in trans (on the opposite chromosome) from a pathogenic variant. It has also been observed to segregate with disease in related individuals. This variant is present in population databases (rs775819448, gnomAD 0.005%). This sequence change creates a premature translational stop signal (p.Val385Glyfs*30) in the EIF2AK4 gene. It is expected to result in an absent or disrupted protein product. Loss-of-function variants in EIF2AK4 are known to be pathogenic (PMID: 12215525, 24135949, 24292273, 24310610, 28972005, 29743074).

OMIM
Classification: Pathogenic for PULMONARY VENOOCCLUSIVE DISEASE 2. Last evaluated: 2014-02-01. Review status: no assertion criteria provided. Collection method: literature only. Allele origin: germline. Not counted in ClinVar's aggregate classification.

Rare Disease Genomics Group, St George's University of London
Classification: Pathogenic for Familial pulmonary capillary hemangiomatosis. Review status: no assertion criteria provided. Collection method: literature only. Allele origin: germline. Affected: yes. Not counted in ClinVar's aggregate classification.

Literature cited by the submitters: PubMed 24135949 (cited by 3 submitters); PubMed 12215525 (cited by Labcorp Genetics (formerly Invitae), Labcorp); PubMed 24292273 (cited by Labcorp Genetics (formerly Invitae), Labcorp); PubMed 24310610 (cited by Labcorp Genetics (formerly Invitae), Labcorp); PubMed 28972005 (cited by Labcorp Genetics (formerly Invitae), Labcorp); PubMed 29743074 (cited by Labcorp Genetics (formerly Invitae), Labcorp).